The following is an entry in ClinVar:

ClinVar aggregate classification (germline): Pathogenic/Likely pathogenic. Review status: criteria provided, multiple submitters, no conflicts (2 of 4 stars). 6 submissions from 6 submitters: Pathogenic (3); Likely pathogenic (1). 2 of the submissions do not count toward it. Last evaluated 2023-08-02.

Conditions:
Alzheimer disease type 1 (AD1). Also called: ALZHEIMER DISEASE, FAMILIAL, 1; ALZHEIMER DISEASE, FAMILIAL, 1, AUTOSOMAL RECESSIVE. Identifiers: MedGen C1863052, MONDO:0007088, OMIM 104300.
Alzheimer disease. Also called: Alzheimer's disease; Presenile and senile dementia. Identifiers: Orphanet 1020, MedGen C0002395, MeSH D000544, MONDO:0004975, HP:0002511.

Submissions (6):

Labcorp Genetics (formerly Invitae), Labcorp
Classification: Pathogenic for Alzheimer disease. Last evaluated: 2023-08-02. Review status: criteria provided, single submitter. Criteria: Invitae Variant Classification Sherloc (09022015). Collection method: clinical testing. Allele origin: germline.
Comment: For these reasons, this variant has been classified as Pathogenic. Experimental studies have shown that this missense change affects APP function (PMID: 10097173, 11487570, 20452985). Advanced modeling of protein sequence and biophysical properties (such as structural, functional, and spatial information, amino acid conservation, physicochemical variation, residue mobility, and thermodynamic stability) performed at Invitae indicates that this missense variant is expected to disrupt APP protein function. ClinVar contains an entry for this variant (Variation ID: 18097). This missense change has been observed in individuals with early-onset Alzheimer disease (PMID: 10441572, 18437002; Invitae). It has also been observed to segregate with disease in related individuals. This variant is not present in population databases (gnomAD no frequency). This sequence change replaces valine, which is neutral and non-polar, with methionine, which is neutral and non-polar, at codon 715 of the APP protein (p.Val715Met).

Institute of Human Genetics, University of Leipzig Medical Center
Classification: Pathogenic for Alzheimer disease type 1. Last evaluated: 2023-05-05. Review status: criteria provided, single submitter. Criteria: ACMG Guidelines, 2015. Collection method: clinical testing. Allele origin: unknown. Inheritance: Autosomal dominant inheritance. Affected: yes.
Comment: Criteria applied: PS3,PS4_MOD,PM1,PM5,PM2_SUP,PP3

Suna and Inan Kirac Foundation Neurodegeneration Research Laboratory, Koc University
Classification: Pathogenic for Alzheimer disease type 1. Last evaluated: 2023-03-21. Review status: criteria provided, single submitter. Criteria: ACMG Guidelines, 2015. Collection method: research. Allele origin: germline. Affected: yes. Observed: 1 variant allele.

Athena Diagnostics
Classification: Likely pathogenic. Last evaluated: 2017-06-23. Review status: criteria provided, single submitter. Criteria: Athena Diagnostics Criteria. Collection method: clinical testing. Allele origin: germline.

OMIM
Classification: Pathogenic for ALZHEIMER DISEASE, FAMILIAL, 1. Last evaluated: 1999-09-01. Review status: no assertion criteria provided. Collection method: literature only. Allele origin: germline. Not counted in ClinVar's aggregate classification.

VIB  Department of Molecular Genetics, University of Antwerp
No classification provided. Review status: no classification provided. Collection method: not provided. Allele origin: not provided. Not counted in ClinVar's aggregate classification.

Literature cited by the submitters: PubMed 10097173 (cited by 3 submitters); PubMed 11487570 (cited by 3 submitters); PubMed 20452985 (cited by Labcorp Genetics (formerly Invitae), Labcorp and Athena Diagnostics); PubMed 10441572 (cited by 3 submitters); PubMed 18437002 (cited by Labcorp Genetics (formerly Invitae), Labcorp and Athena Diagnostics); PubMed 24390130 (cited by Athena Diagnostics); PubMed 24677022 (cited by Athena Diagnostics); PubMed 24694184 (cited by Athena Diagnostics); PubMed 23515184 (cited by Athena Diagnostics).

NM_000484.4(APP):c.2143G>A (p.Val715Met)

Gene: APP (amyloid beta precursor protein; minus strand). Cytogenetic location: 21q21.3.
Variant type: single nucleotide variant.
Coding change: c.2143G>A on transcript NM_000484.4 (MANE Select); coding-DNA position 2143, G replaced by A.
Protein change: p.Val715Met; replaces valine 715 with methionine.
Molecular consequence: missense variant.
Genome position (GRCh38, 1-based): chr21:25,891,790, C>T on the plus strand (G>A on the coding strand, the complement: APP is on the minus strand). VCF-style: chr21-25891790-C-T. GRCh37 (hg19) VCF-style: chr21-27264102-C-T.
Other names: c.2071G>A, p.Val691Met (NM_001136016.3); c.1750G>A, p.Val584Met (NM_001136129.3); c.1975G>A, p.Val659Met (NM_001136130.3, NM_001385253.1); c.1813G>A, p.Val605Met (NM_001136131.3); c.2089G>A, p.Val697Met (NM_001204301.2); c.2032G>A, p.Val678Met (NM_001204302.2); c.1864G>A, p.Val622Met (NM_001204303.2); c.2086G>A, p.Val696Met (NM_201413.3); and 1 more; short protein forms V715M, V622M, V640M, V678M, V584M, V691M, V697M, V605M.
Identifiers: ClinVar variation 18097 (VCV000018097.8), dbSNP rs63750734, ClinGen allele CA127800.
Genomic context (GRCh38, chr21:25,891,790, plus strand): 5'-CACCATGATGAATGGATGTGTACTGTTTCTTCTTCAGCATCACCAAGGTGATGACGATCA[C>T]TGTCGCTATGACAACACCGCCCACCATGAGTCCAATGATTGCACCTTTGTTTGAACCCAC-3'
Protein context (NP_000475.1, residues 705-725): LMVGGVVIAT[Val715Met]IVITLVMLKK